The following is an entry in ClinVar:

ClinVar aggregate classification (germline): Likely benign. Review status: criteria provided, multiple submitters, no conflicts (2 of 4 stars). 5 submissions from 5 submitters: Likely benign (4). 1 of the submissions does not count toward it. Last evaluated 2025-10-07.

Conditions:
CACNA1H-related disorder.
Epilepsy, childhood absence, susceptibility to, 6. Identifiers: Orphanet 64280, MedGen C2749872, MONDO:0012763, OMIM 611942.
Hyperaldosteronism, familial, type IV (HALD4). Also called: FH IV; ALDOSTERONISM, PRIMARY, AND HYPERTENSION. Identifiers: Orphanet 642671, MedGen C4310756, MONDO:0014875, OMIM 617027.
Idiopathic generalized epilepsy. Also called: Generalised epilepsy; EIG. Identifiers: MedGen C0270850, MONDO:0005579, OMIM 600669.

Allele frequency attached by ClinVar (database versions not stated): gnomAD exomes 0.00012; ExAC 0.00014; gnomAD 0.00019 and 0.00020; ESP Exome Variant Server 0.00024.
gnomAD v4.1: 462 of 1,609,444 alleles (0.029%); highest among the groups gnomAD compares: Non-Finnish European, 0.036%; no homozygotes.

Submissions (5):

Labcorp Genetics (formerly Invitae), Labcorp
Classification: Likely benign for Idiopathic generalized epilepsy; Hyperaldosteronism, familial, type IV. Last evaluated: 2025-10-07. Review status: criteria provided, single submitter. Criteria: Invitae Variant Classification Sherloc (09022015). Collection method: clinical testing. Allele origin: germline.

Women's Health and Genetics/Laboratory Corporation of America, LabCorp
Classification: Likely benign. Last evaluated: 2025-05-28. Review status: criteria provided, single submitter. Criteria: LabCorp Variant Classification Summary - May 2015. Collection method: clinical testing. Allele origin: germline.

Blueprint Genetics
Classification: Likely benign. Last evaluated: 2024-09-12. Review status: criteria provided, single submitter. Criteria: ACMG Guidelines, 2015. Collection method: clinical testing. Allele origin: germline.

Fulgent Genetics
Classification: Likely benign for Epilepsy, childhood absence, susceptibility to, 6; Hyperaldosteronism, familial, type IV. Last evaluated: 2022-05-02. Review status: criteria provided, single submitter. Criteria: ACMG Guidelines, 2015. Collection method: clinical testing. Allele origin: unknown.

PreventionGenetics, part of Exact Sciences
Classification: Likely benign for CACNA1H-related condition. Last evaluated: 2019-10-28. Review status: no assertion criteria provided. Collection method: clinical testing. Allele origin: germline. Not counted in ClinVar's aggregate classification.
Comment: This variant is classified as likely benign based on ACMG/AMP sequence variant interpretation guidelines (Richards et al. 2015 PMID: 25741868, with internal and published modifications).

NM_021098.3(CACNA1H):c.2452-7C>T

Gene: CACNA1H (calcium voltage-gated channel subunit alpha1 H; plus strand). Cytogenetic location: 16p13.3.
Variant type: single nucleotide variant.
Coding change: c.2452-7C>T on transcript NM_021098.3 (MANE Select); 7 bases into the intron before coding-DNA position 2452, C replaced by T.
Molecular consequence: intron variant.
Genome position (GRCh38, 1-based): chr16:1,205,107, C>T. VCF-style: chr16-1205107-C-T. GRCh37 (hg19) VCF-style: chr16-1255107-C-T.
Other names: c.2452-7C>T (NM_001005407.2, NM_021098.2).
Identifiers: ClinVar variation 1112473 (VCV001112473.14), dbSNP rs28365121, ClinGen allele CA7800291.